The following is an entry in ClinVar:

NM_001201427.2(DAAM2):c.2567T>C (p.Ile856Thr)

Genes: DAAM2 (dishevelled associated activator of morphogenesis 2; plus strand), DAAM2-AS1 (DAAM2 antisense RNA 1; minus strand). Cytogenetic location: 6p21.2.
Variant type: single nucleotide variant.
Coding change: c.2567T>C on transcript NM_001201427.2 (MANE Select); coding-DNA position 2567, T replaced by C.
Protein change: p.Ile856Thr; replaces isoleucine 856 with threonine.
Molecular consequence: missense variant. On other transcripts: non-coding transcript variant (1).
Genome position (GRCh38, 1-based): chr6:39,897,231, T>C. VCF-style: chr6-39897231-T-C. GRCh37 (hg19) VCF-style: chr6-39865007-T-C.
Other names: c.2567T>C, p.Ile856Thr (NM_015345.4); short protein forms I856T.
Identifiers: ClinVar variation 3038271 (VCV003038271.2), dbSNP rs61748650, ClinGen allele CA3795331.

ClinVar aggregate classification (germline): Likely benign (0 of 4 stars; one submission).

Conditions:
DAAM2-related disorder. Also called: DAAM2-related condition.

Allele frequency attached by ClinVar (database versions not stated): 1000 Genomes Project 30x 0.00109; 1000 Genomes Project 0.00120; TOPMed 0.00357; ExAC 0.00388; gnomAD 0.00398; ESP Exome Variant Server 0.00459; gnomAD exomes 0.00598.

Submission:

PreventionGenetics, part of Exact Sciences
Classification: Likely benign for DAAM2-related condition. Last evaluated: 2019-02-26. Review status: no assertion criteria provided. Collection method: clinical testing. Allele origin: germline.
Comment: This variant is classified as likely benign based on ACMG/AMP sequence variant interpretation guidelines (Richards et al. 2015 PMID: 25741868, with internal and published modifications).